The following is an entry in ClinVar:

NC_000017.11:g.17226323del

Gene: FLCN (folliculin; minus strand). Cytogenetic location: 17p11.2.
Variant type: Deletion.
Genome position: GRCh38 VCF-style: chr17-17226320-GC-G. GRCh37 (hg19) VCF-style: chr17-17129634-GC-G.
Identifiers: ClinVar variation 3658963 (VCV003658963.2).

ClinVar aggregate classification (germline): Pathogenic (1 of 4 stars; one submission).

Conditions:
Birt-Hogg-Dube syndrome. Also called: Birt Hogg Dubé syndrome. Identifiers: Orphanet 122, MedGen C0346010, MONDO:0800444.

Submission:

Labcorp Genetics (formerly Invitae), Labcorp
Classification: Pathogenic for Birt-Hogg-Dube syndrome. Last evaluated: 2024-07-08. Review status: criteria provided, single submitter. Criteria: Invitae Variant Classification Sherloc (09022015). Collection method: clinical testing. Allele origin: germline.
Comment: This sequence change creates a premature translational stop signal (p.Gly84Alafs*46) in the FLCN gene. It is expected to result in an absent or disrupted protein product. Loss-of-function variants in FLCN are known to be pathogenic (PMID: 15852235). This variant is not present in population databases (gnomAD no frequency). This variant has not been reported in the literature in individuals affected with FLCN-related conditions. For these reasons, this variant has been classified as Pathogenic.

Literature cited by the submitters: PubMed 15852235.